The following is an entry in ClinVar:

ClinVar aggregate classification (germline): Likely pathogenic (1 of 4 stars; one submission).

Conditions:
Left ventricular noncompaction 7 (LVNC7). Identifiers: Orphanet 54260, MedGen C3554496, MONDO:0014042, OMIM 615092.

Submission:

3billion
Classification: Likely pathogenic for Left ventricular noncompaction 7. Last evaluated: 2023-08-01. Review status: criteria provided, single submitter. Criteria: ACMG Guidelines, 2015. Collection method: clinical testing. Allele origin: germline. Affected: yes.
Comment: The variant is not observed in the gnomAD v2.1.1 dataset. Predicted Consequence/Location: Frameshift: predicted to result in a loss or disruption of normal protein function through nonsense-mediated decay (NMD) or protein truncation. Multiple pathogenic variants are reported downstream of the variant. Therefore, this variant is classified as Likely pathogenic according to the recommendation of ACMG/AMP guideline.

NM_020774.4(MIB1):c.1305_1306insAA (p.Val436fs)

Gene: MIB1 (MIB E3 ubiquitin protein ligase 1; plus strand). Cytogenetic location: 18q11.2.
Variant type: Insertion.
Coding change: c.1305_1306insAA on transcript NM_020774.4 (MANE Select); coding-DNA positions 1305 to 1306, AA inserted.
Protein change: p.Val436fs; shifts the reading frame from valine 436.
Molecular consequence: frameshift variant.
Genome position: GRCh38 VCF-style: chr18-21799907-T-TAA. GRCh37 (hg19) VCF-style: chr18-19379868-T-TAA.
Other names: short protein forms V436fs.
Identifiers: ClinVar variation 3776133 (VCV003776133.1).